The following is an entry in ClinVar:

NM_001283009.2(RTEL1):c.211A>G (p.Lys71Glu)

Genes: RTEL1-TNFRSF6B (RTEL1-TNFRSF6B readthrough (NMD candidate); plus strand), RTEL1 (regulator of telomere elongation helicase 1; plus strand). Cytogenetic location: 20q13.33.
Variant type: single nucleotide variant.
Coding change: c.211A>G on transcript NM_001283009.2 (MANE Select); coding-DNA position 211, A replaced by G.
Protein change: p.Lys71Glu; replaces lysine 71 with glutamic acid.
Molecular consequence: missense variant. On other transcripts: non-coding transcript variant (1), 5 prime UTR variant (1).
Genome position (GRCh38, 1-based): chr20:63,661,406, A>G. VCF-style: chr20-63661406-A-G. GRCh37 (hg19) VCF-style: chr20-62292759-A-G.
Other names: c.211A>G, p.Lys71Glu (NM_016434.4, NM_032957.5); c.-459A>G (NM_001283010.1); c.211A>G (NM_032957.4); short protein forms K71E.
Identifiers: ClinVar variation 3791167 (VCV003791167.2).
Genomic context (GRCh38, chr20:63,661,406, plus strand): 5'-TGCCTGCTGTGCACCACGCTGGCCTGGCGAGAACACCTCCGAGACGGCATCTCTGCCCGC[A>G]AGATTGCCGAGAGGGCGCAAGGAGAGCTTTTCCCGGATCGGGCCTTGTCATCCTGGGGCA-3'
Protein context (NP_001269938.1, residues 61-81): EHLRDGISAR[Lys71Glu]IAERAQGELF

ClinVar aggregate classification (germline): Uncertain significance. Review status: criteria provided, single submitter (1 of 4 stars). 2 submissions from 2 submitters: Uncertain significance (1). 1 of the submissions does not count toward it. Last evaluated 2025-02-21.

Conditions:
Inborn genetic diseases. Identifiers: MedGen C0950123, MeSH D030342.
Dyskeratosis congenita. Identifiers: Orphanet 1775, MedGen C0265965, MONDO:0015780.

gnomAD v4.1: 2 of 1,613,836 alleles (0.00012%); highest among the groups gnomAD compares: East Asian, 0.0022%; no homozygotes.

Submissions (2):

Ambry Genetics
Classification: Uncertain significance for Inborn genetic diseases. Last evaluated: 2025-02-21. Review status: criteria provided, single submitter. Criteria: Ambry Variant Classification Scheme 2023. Collection method: clinical testing. Allele origin: germline.
Comment: The p.K71E variant (also known as c.211A>G), located in coding exon 2 of the RTEL1 gene, results from an A to G substitution at nucleotide position 211. The lysine at codon 71 is replaced by glutamic acid, an amino acid with similar properties. This amino acid position is conserved. In addition, the in silico prediction for this alteration is inconclusive. Based on the available evidence, the clinical significance of this variant remains unclear.

Natera, Inc.
Classification: Uncertain significance for Dyskeratosis congenita. Last evaluated: 2025-01-13. Review status: no assertion criteria provided. Collection method: clinical testing. Allele origin: germline. Not counted in ClinVar's aggregate classification.